The following is an entry in ClinVar:

NM_006031.6(PCNT):c.9557G>A (p.Arg3186Gln)

Gene: PCNT (pericentrin; plus strand). Cytogenetic location: 21q22.3.
Variant type: single nucleotide variant.
Coding change: c.9557G>A on transcript NM_006031.6 (MANE Select); coding-DNA position 9557, G replaced by A.
Protein change: p.Arg3186Gln; replaces arginine 3186 with glutamine.
Molecular consequence: missense variant.
Genome position (GRCh38, 1-based): chr21:46,441,018, G>A. VCF-style: chr21-46441018-G-A. GRCh37 (hg19) VCF-style: chr21-47860931-G-A.
Other names: c.8966G>A, p.Arg2989Gln (NM_001315529.2); short protein forms R3186Q, R2989Q.
Identifiers: ClinVar variation 4983575 (VCV004983575.1).

ClinVar aggregate classification (germline): Uncertain significance (1 of 4 stars; one submission).

Conditions:
PCNT-related disorder. Also called: PCNT-related condition.

gnomAD v4.1: 3 of 1,614,144 alleles (0.00019%); highest among the groups gnomAD compares: South Asian, 0.0011%; no homozygotes.

Submission:

PreventionGenetics, part of Exact Sciences
Classification: Uncertain significance for PCNT-related condition. Last evaluated: 2024-12-05. Review status: criteria provided, single submitter. Criteria: ACMG Guidelines, 2015. Collection method: clinical testing. Allele origin: germline.
Comment: The PCNT c.9557G>A variant is predicted to result in the amino acid substitution p.Arg3186Gln. To our knowledge, this variant has not been reported in the literature. This variant is reported in 0.0033% of alleles in individuals of South Asian descent in gnomAD. At this time, the clinical significance of this variant is uncertain due to the absence of conclusive functional and genetic evidence.